The following is an entry in ClinVar:

ClinVar aggregate classification (germline): Uncertain significance (1 of 4 stars; one submission).

Submission:

Women's Health and Genetics/Laboratory Corporation of America, LabCorp
Classification: Uncertain significance. Last evaluated: 2026-05-04. Review status: criteria provided, single submitter. Criteria: LabCorp Variant Classification Summary - May 2015. Collection method: clinical testing. Allele origin: germline.
Comment: Variant summary: SLC9A9 c.1681A>G (p.Arg561Gly) results in a non-conservative amino acid change in the encoded protein sequence. Algorithms developed to predict the effect of missense changes on protein structure and function are either unavailable or do not agree on the potential impact of this missense change. The variant was absent in 251452 control chromosomes. The available data on variant occurrences in the general population are insufficient to allow any conclusion about variant significance. To our knowledge, no occurrence of c.1681A>G in individuals affected with SLC9A9-related conditions and no experimental evidence demonstrating its impact on protein function have been reported. ClinVar contains an entry for this variant (Variation ID: 4535825). Based on the evidence outlined above, the variant was classified as uncertain significance.

NM_173653.4(SLC9A9):c.1681A>G (p.Arg561Gly)

Gene: SLC9A9 (solute carrier family 9 member A9; minus strand). Cytogenetic location: 3q24.
Variant type: single nucleotide variant.
Coding change: c.1681A>G on transcript NM_173653.4 (MANE Select); coding-DNA position 1681, A replaced by G.
Protein change: p.Arg561Gly; replaces arginine 561 with glycine.
Molecular consequence: missense variant.
Genome position (GRCh38, 1-based): chr3:143,268,904, T>C on the plus strand (A>G on the coding strand, the complement: SLC9A9 is on the minus strand). VCF-style: chr3-143268904-T-C. GRCh37 (hg19) VCF-style: chr3-142987746-T-C.
Other names: short protein forms R561G.
Identifiers: ClinVar variation 4535825 (VCV004535825.2).